The following is an entry in ClinVar:

NM_001134407.3(GRIN2A):c.586G>C (p.Val196Leu)

Gene: GRIN2A (glutamate ionotropic receptor NMDA type subunit 2A; minus strand). Cytogenetic location: 16p13.2.
Variant type: single nucleotide variant.
Coding change: c.586G>C on transcript NM_001134407.3 (MANE Select); coding-DNA position 586, G replaced by C.
Protein change: p.Val196Leu; replaces valine 196 with leucine.
Molecular consequence: missense variant.
Genome position (GRCh38, 1-based): chr16:9,938,380, C>G on the plus strand (G>C on the coding strand, the complement: GRIN2A is on the minus strand). VCF-style: chr16-9938380-C-G. GRCh37 (hg19) VCF-style: chr16-10032237-C-G.
Other names: c.586G>C, p.Val196Leu (NM_000833.5, NM_001134408.2); short protein forms V196L.
Identifiers: ClinVar variation 2870383 (VCV002870383.3), dbSNP rs901580617, ClinGen allele CA394798943.
Genomic context (GRCh38, chr16:9,938,380, plus strand): 5'-GTGTCTTTGCATCCTCAAAGGAAGTGTCCAGTGTGATCACATTCTGCATGTCCCAGCCCA[C>G]AAAGCTGTTGTCCACTGTGGTCTTGACGAAGCTGATGAATTCCCTGTAGCCAGGGAAGAT-3'
Protein context (NP_001127879.1, residues 186-206): FVKTTVDNSF[Val196Leu]GWDMQNVITL

ClinVar aggregate classification (germline): Uncertain significance (1 of 4 stars; one submission).

Conditions:
Landau-Kleffner syndrome (FESD). Also called: EPILEPSY, FOCAL, WITH SPEECH DISORDER AND WITH OR WITHOUT MENTAL RETARDATION; APHASIA, ACQUIRED, WITH EPILEPSY. Identifiers: Orphanet 1945, Orphanet 725, Orphanet 98818, MedGen C0282512, MONDO:0009509, OMIM 245570.

gnomAD v4.1: 1 of 1,614,148 alleles (0.000062%); no homozygotes.

Submission:

Labcorp Genetics (formerly Invitae), Labcorp
Classification: Uncertain significance for Landau-Kleffner syndrome. Last evaluated: 2023-08-31. Review status: criteria provided, single submitter. Criteria: Invitae Variant Classification Sherloc (09022015). Collection method: clinical testing. Allele origin: germline.
Comment: In summary, the available evidence is currently insufficient to determine the role of this variant in disease. Therefore, it has been classified as a Variant of Uncertain Significance. Advanced modeling of protein sequence and biophysical properties (such as structural, functional, and spatial information, amino acid conservation, physicochemical variation, residue mobility, and thermodynamic stability) performed at Invitae indicates that this missense variant is not expected to disrupt GRIN2A protein function. This variant has not been reported in the literature in individuals affected with GRIN2A-related conditions. This variant is not present in population databases (gnomAD no frequency). This sequence change replaces valine, which is neutral and non-polar, with leucine, which is neutral and non-polar, at codon 196 of the GRIN2A protein (p.Val196Leu).